The following is an entry in ClinVar:

ClinVar aggregate classification (germline): Uncertain significance (1 of 4 stars; one submission).

Conditions:
Charcot-Marie-Tooth disease axonal type 2Z. Also called: CHARCOT-MARIE-TOOTH DISEASE, AXONAL, AUTOSOMAL DOMINANT, TYPE 2Z; CHARCOT-MARIE-TOOTH NEUROPATHY, TYPE 2Z. Identifiers: Orphanet 466768, MedGen C5569025, MONDO:0014736, OMIM 616688.

Allele frequency attached by ClinVar (database versions not stated): gnomAD exomes below 0.00001; TOPMed below 0.00001.
gnomAD v4.1: 2 of 1,614,094 alleles (0.00012%); highest among the groups gnomAD compares: South Asian, 0.0022%; no homozygotes.

Submission:

Labcorp Genetics (formerly Invitae), Labcorp
Classification: Uncertain significance for Charcot-Marie-Tooth disease axonal type 2Z. Last evaluated: 2023-08-08. Review status: criteria provided, single submitter. Criteria: Invitae Variant Classification Sherloc (09022015). Collection method: clinical testing. Allele origin: germline.
Comment: In summary, the available evidence is currently insufficient to determine the role of this variant in disease. Therefore, it has been classified as a Variant of Uncertain Significance. Advanced modeling of protein sequence and biophysical properties (such as structural, functional, and spatial information, amino acid conservation, physicochemical variation, residue mobility, and thermodynamic stability) performed at Invitae indicates that this missense variant is not expected to disrupt MORC2 protein function. This variant has not been reported in the literature in individuals affected with MORC2-related conditions. This variant is not present in population databases (gnomAD no frequency). This sequence change replaces serine, which is neutral and polar, with phenylalanine, which is neutral and non-polar, at codon 971 of the MORC2 protein (p.Ser971Phe).

NM_001303256.3(MORC2):c.2912C>T (p.Ser971Phe)

Gene: MORC2 (MORC family CW-type zinc finger 2; minus strand). Cytogenetic location: 22q12.2.
Variant type: single nucleotide variant.
Coding change: c.2912C>T on transcript NM_001303256.3 (MANE Select); coding-DNA position 2912, C replaced by T.
Protein change: p.Ser971Phe; replaces serine 971 with phenylalanine.
Molecular consequence: missense variant.
Genome position (GRCh38, 1-based): chr22:30,928,137, G>A on the plus strand (C>T on the coding strand, the complement: MORC2 is on the minus strand). VCF-style: chr22-30928137-G-A. GRCh37 (hg19) VCF-style: chr22-31324124-G-A.
Other names: c.2912C>T, p.Ser971Phe (NM_001303257.2); c.2726C>T, p.Ser909Phe (NM_014941.3); short protein forms S909F, S971F.
Identifiers: ClinVar variation 2789248 (VCV002789248.3), dbSNP rs142559213, ClinGen allele CA411229867.